The following is an entry in ClinVar:

ClinVar aggregate classification (germline): Uncertain significance. Review status: criteria provided, multiple submitters, no conflicts (2 of 4 stars). 5 submissions from 5 submitters: Uncertain significance (5). Last evaluated 2026-07-21.

Conditions:
PLEC-related disorder. Also called: PLEC-related disorders; PLEC-related condition.
Epidermolysis bullosa simplex 5B, with muscular dystrophy (EBS5B). Also called: EPIDERMOLYSIS BULLOSA SIMPLEX AND LIMB-GIRDLE MUSCULAR DYSTROPHY; Epidermolysis bullosa simplex with muscular dystrophy. Identifiers: Orphanet 257, MedGen C2931072, MONDO:0009181, OMIM 226670.
Epidermolysis bullosa simplex, Ogna type (EBS5A). Also called: Pidermolysis bullosa simplex 5A, Ogna type; EPIDERMOLYSIS BULLOSA SIMPLEX 5A, OGNA TYPE. Identifiers: Orphanet 79401, MedGen C0432317, MONDO:0007555, OMIM 131950.
Epidermolysis bullosa simplex 5C, with pyloric atresia (EBS5C). Also called: PLEC1-Related Epidermolysis Bullosa with Pyloric Atresia; PLEC-Related Epidermolysis Bullosa with Pyloric Atresia; Epidermolysis bullosa simplex with pyloric atresia. Identifiers: Orphanet 158684, MedGen C2677349, MONDO:0012807, OMIM 612138.
Epidermolysis bullosa simplex with nail dystrophy (EBS5D). Identifiers: MedGen C4225309, MONDO:0014661, OMIM 616487.
Autosomal recessive limb-girdle muscular dystrophy type 2Q (LGMDR17). Also called: MUSCULAR DYSTROPHY, LIMB-GIRDLE, AUTOSOMAL RECESSIVE 17. Identifiers: Orphanet 254361, MedGen C3150989, MONDO:0013390, OMIM 613723.
Inborn genetic diseases. Identifiers: MedGen C0950123, MeSH D030342.

Allele frequency attached by ClinVar (database versions not stated): ESP Exome Variant Server 0.00009; TOPMed 0.00009; 1000 Genomes Project 30x 0.00016; 1000 Genomes Project 0.00020.
gnomAD v4.1: 251 of 1,577,320 alleles (0.016%); highest among the groups gnomAD compares: Non-Finnish European, 0.021%; no homozygotes.

Submissions (5):

PreventionGenetics, part of Exact Sciences
Classification: Uncertain significance for PLEC-related condition. Last evaluated: 2026-07-21. Review status: criteria provided, single submitter. Criteria: ACMG Guidelines, 2015. Collection method: clinical testing. Allele origin: germline.
Comment: The PLEC c.6218G>T variant is predicted to result in the amino acid substitution p.Arg2073Leu. To our knowledge, this variant has not been reported in the literature. This variant is reported in 0.013% of alleles in individuals of European (Non-Finnish) descent in gnomAD. At this time, the clinical significance of this variant is uncertain due to the absence of conclusive functional and genetic evidence.

Labcorp Genetics (formerly Invitae), Labcorp
Classification: Uncertain significance for Autosomal recessive limb-girdle muscular dystrophy type 2Q; Epidermolysis bullosa simplex, Ogna type; Epidermolysis bullosa simplex with nail dystrophy; Epidermolysis bullosa simplex 5C, with pyloric atresia; Epidermolysis bullosa simplex 5B, with muscular dystrophy. Last evaluated: 2025-12-29. Review status: criteria provided, single submitter. Criteria: Invitae Variant Classification Sherloc (09022015). Collection method: clinical testing. Allele origin: germline.
Comment: This sequence change replaces arginine, which is basic and polar, with leucine, which is neutral and non-polar, at codon 2073 of the PLEC protein (p.Arg2073Leu). This variant is present in population databases (rs368319141, gnomAD 0.01%). This variant has not been reported in the literature in individuals affected with PLEC-related conditions. ClinVar contains an entry for this variant (Variation ID: 538915). An algorithm developed to predict the effect of missense changes on protein structure and function (PolyPhen-2) suggests that this variant is likely to be tolerated. In summary, the available evidence is currently insufficient to determine the role of this variant in disease. Therefore, it has been classified as a Variant of Uncertain Significance.

Ambry Genetics
Classification: Uncertain significance for Inborn genetic diseases. Last evaluated: 2025-06-17. Review status: criteria provided, single submitter. Criteria: Ambry Variant Classification Scheme 2023. Collection method: clinical testing. Allele origin: germline.

Revvity Omics, Revvity
Classification: Uncertain significance. Last evaluated: 2024-06-27. Review status: criteria provided, single submitter. Criteria: ACMG Guidelines, 2015. Collection method: clinical testing. Allele origin: germline.

CeGaT Center for Human Genetics Tuebingen
Classification: Uncertain significance. Last evaluated: 2022-10-01. Review status: criteria provided, single submitter. Criteria: CeGaT Center For Human Genetics Tuebingen Variant Classification Criteria Version 2. Collection method: clinical testing. Allele origin: germline. Affected: yes. Observed: 2 variant alleles.
Comment: PLEC: PM2

NM_201384.3(PLEC):c.6137G>T (p.Arg2046Leu)

Gene: PLEC (plectin; minus strand). Cytogenetic location: 8q24.3.
Variant type: single nucleotide variant.
Coding change: c.6137G>T on transcript NM_201384.3 (MANE Select); coding-DNA position 6137, G replaced by T.
Protein change: p.Arg2046Leu; replaces arginine 2046 with leucine.
Molecular consequence: missense variant.
Genome position (GRCh38, 1-based): chr8:143,923,792, C>A on the plus strand (G>T on the coding strand, the complement: PLEC is on the minus strand). VCF-style: chr8-143923792-C-A. GRCh37 (hg19) VCF-style: chr8-144997960-C-A.
Other names: c.6218G>T (NM_000445.3); c.6218G>T, p.Arg2073Leu (NM_000445.5); c.6095G>T, p.Arg2032Leu (NM_201378.4); c.6071G>T, p.Arg2024Leu (NM_201379.3); c.6548G>T, p.Arg2183Leu (NM_201380.4); c.6041G>T, p.Arg2014Leu (NM_201381.3); c.6137G>T, p.Arg2046Leu (NM_201382.4); c.6149G>T, p.Arg2050Leu (NM_201383.3); short protein forms R2032L, R2046L, R2073L, R2050L, R2183L, R2024L, R2014L.
Identifiers: ClinVar variation 538915 (VCV000538915.42), dbSNP rs368319141, ClinGen allele CA4926097.
Genomic context (GRCh38, chr8:143,923,792, plus strand): 5'-TGTAGCTCCTGCTCCTTCTGCTGCACCGCGAAGGCGTGTGCCTTCTCTTCCGCCTGCAGC[C>A]GCTTCTGGGCGGCCTCCTGGGCCAGCTGCAGCTGCCGCGCCGACTCCTGCTCCGCTCGCT-3'
Protein context (NP_958786.1, residues 2036-2056): LQLAQEAAQK[Arg2046Leu]LQAEEKAHAF